The following is an entry in ClinVar:

NM_015335.5(MED13L):c.2666_2667del (p.Ser888_Ser889insTer)

Gene: MED13L (mediator complex subunit 13L; minus strand). Cytogenetic location: 12q24.21.
Variant type: Deletion.
Coding change: c.2666_2667del on transcript NM_015335.5 (MANE Select); coding-DNA positions 2666 to 2667, 2 bases deleted (CA; older notation c.2666_2667delCA).
Protein change: p.Ser888_Ser889insTer.
Molecular consequence: nonsense.
Genome position (GRCh38, 1-based): chr12:115,997,133-115,997,134, TG deleted on the plus strand (CA on the coding strand, the reverse complement: MED13L is on the minus strand). VCF-style (leftmost placement, unchanged base first): chr12-115997132-CTG-C. GRCh37 (hg19) VCF-style: chr12-116434937-CTG-C.
Identifiers: ClinVar variation 4850199 (VCV004850199.1).

ClinVar aggregate classification (germline): Likely pathogenic (1 of 4 stars; one submission).

Conditions:
Cardiac anomalies - developmental delay - facial dysmorphism syndrome (MRFACD). Also called: MED13L Syndrome; Impaired intellectual development and distinctive facial features with or without cardiac defects. Identifiers: Orphanet 369891, MedGen C5192431, MONDO:0014773, OMIM 616789.

Submission:

Variantyx, Inc.
Classification: Likely pathogenic for Cardiac anomalies - developmental delay - facial dysmorphism syndrome. Last evaluated: 2025-11-13. Review status: criteria provided, single submitter. Criteria: Variantyx Assertion Criteria 2022. Collection method: clinical testing. Allele origin: germline. Inheritance: Autosomal dominant inheritance. Affected: yes.
Comment: This is a frameshift variant in the MED13L gene (OMIM: 608771). Pathogenic variants in this gene have been associated with autosomal dominant impaired intellectual development and distinctive facial features with or without cardiac defects. This variant introduces a premature termination codon in exon 15 out of 31 and is expected to result in loss of function, which is a known disease mechanism for MED13L in this disorder (PMID: 25712080, 23403903) (PVS1). This variant is absent from control populations (PM2) and it has not been reported in individuals with MED13L-related disorders in the databases available for review. Based on the current evidence, this variant is classified as likely pathogenic for autosomal dominant impaired intellectual development and distinctive facial features with or without cardiac defects.

Literature cited by the submitters: PubMed 25712080; PubMed 23403903.